The following is an entry in ClinVar:

NM_001127222.2(CACNA1A):c.6419T>G (p.Leu2140Arg)

Gene: CACNA1A (calcium voltage-gated channel subunit alpha1 A; minus strand). Cytogenetic location: 19p13.13.
Variant type: single nucleotide variant.
Coding change: c.6419T>G on transcript NM_001127222.2 (MANE Select); coding-DNA position 6419, T replaced by G.
Protein change: p.Leu2140Arg; replaces leucine 2140 with arginine.
Molecular consequence: missense variant.
Genome position (GRCh38, 1-based): chr19:13,209,419, A>C on the plus strand (T>G on the coding strand, the complement: CACNA1A is on the minus strand). VCF-style: chr19-13209419-A-C. GRCh37 (hg19) VCF-style: chr19-13320233-A-C.
Other names: c.6437T>G, p.Leu2146Arg (NM_000068.4, NM_023035.3); c.6422T>G, p.Leu2141Arg (NM_001127221.2); c.6428T>G, p.Leu2143Arg (NM_001174080.2); short protein forms L2140R, L2141R, L2143R, L2146R.
Identifiers: ClinVar variation 2505620 (VCV002505620.5), dbSNP rs2512520592, ClinGen allele CA404330940.

ClinVar aggregate classification (germline): Uncertain significance. Review status: criteria provided, multiple submitters, no conflicts (2 of 4 stars). 2 submissions from 2 submitters: Uncertain significance (2). Last evaluated 2025-12-23.

Conditions:
Developmental and epileptic encephalopathy, 42 (DEE42A). Also called: EPILEPTIC ENCEPHALOPATHY, EARLY INFANTILE, 42A; DEVELOPMENTAL AND EPILEPTIC ENCEPHALOPATHY 42A; Epileptic encephalopathy, early infantile, 42. Identifiers: MedGen C4310716, MONDO:0014917, OMIM 617106.
Episodic ataxia type 2 (EA2). Also called: ATAXIA, EPISODIC, WITH NYSTAGMUS; ATAXIA, FAMILIAL PAROXYSMAL; CEREBELLAR ATAXIA, PAROXYSMAL, ACETAZOLAMIDE-RESPONSIVE; CEREBELLOPATHY, HEREDITARY PAROXYSMAL; EPISODIC ATAXIA, NYSTAGMUS-ASSOCIATED; ACETAZOLAMIDE-RESPONSIVE HEREDITARY PAROXYSMAL CEREBELLAR ATAXIA. Identifiers: Orphanet 97, MedGen C1720416, MONDO:0007163, OMIM 108500.

Submissions (2):

GeneDx
Classification: Uncertain significance. Last evaluated: 2025-12-23. Review status: criteria provided, single submitter. Criteria: GeneDx Variant Classification Process June 2021. Collection method: clinical testing. Allele origin: germline. Affected: yes.
Comment: Not observed at significant frequency in large population cohorts (gnomAD); In silico analysis supports that this missense variant has a deleterious effect on protein structure/function; Has not been previously published as pathogenic or benign to our knowledge

Labcorp Genetics (formerly Invitae), Labcorp
Classification: Uncertain significance for Developmental and epileptic encephalopathy, 42; Episodic ataxia type 2. Last evaluated: 2023-02-16. Review status: criteria provided, single submitter. Criteria: Invitae Variant Classification Sherloc (09022015). Collection method: clinical testing. Allele origin: germline.
Comment: In summary, the available evidence is currently insufficient to determine the role of this variant in disease. Therefore, it has been classified as a Variant of Uncertain Significance. Advanced modeling of protein sequence and biophysical properties (such as structural, functional, and spatial information, amino acid conservation, physicochemical variation, residue mobility, and thermodynamic stability) performed at Invitae indicates that this missense variant is not expected to disrupt CACNA1A protein function. This variant has not been reported in the literature in individuals affected with CACNA1A-related conditions. This variant is not present in population databases (gnomAD no frequency). This sequence change replaces leucine, which is neutral and non-polar, with arginine, which is basic and polar, at codon 2141 of the CACNA1A protein (p.Leu2141Arg).